The following is an entry in ClinVar:

ClinVar aggregate classification (germline): Uncertain significance (1 of 4 stars; one submission).

Conditions:
Inborn genetic diseases. Identifiers: MedGen C0950123, MeSH D030342.

gnomAD v4.1: 1 of 1,614,210 alleles (0.000062%); highest among the groups gnomAD compares: South Asian, 0.0011%; no homozygotes.

Submission:

Ambry Genetics
Classification: Uncertain significance for Inborn genetic diseases. Last evaluated: 2022-01-15. Review status: criteria provided, single submitter. Criteria: Ambry Variant Classification Scheme 2023. Collection method: clinical testing. Allele origin: germline.
Comment: The p.H41N variant (also known as c.121C>A), located in coding exon 3 of the NDRG1 gene, results from a C to A substitution at nucleotide position 121. The histidine at codon 41 is replaced by asparagine, an amino acid with similar properties. This amino acid position is conserved. In addition, this alteration is predicted to be tolerated by in silico analysis. Since supporting evidence is limited at this time, the clinical significance of this alteration remains unclear.

NM_006096.4(NDRG1):c.121C>A (p.His41Asn)

Gene: NDRG1 (N-myc downstream regulated 1; minus strand). Cytogenetic location: 8q24.22.
Variant type: single nucleotide variant.
Coding change: c.121C>A on transcript NM_006096.4 (MANE Select); coding-DNA position 121, C replaced by A.
Protein change: p.His41Asn; replaces histidine 41 with asparagine.
Molecular consequence: missense variant. On other transcripts: 5 prime UTR variant (2), intron variant (1).
Genome position (GRCh38, 1-based): chr8:133,264,631, G>T on the plus strand (C>A on the coding strand, the complement: NDRG1 is on the minus strand). VCF-style: chr8-133264631-G-T. GRCh37 (hg19) VCF-style: chr8-134276874-G-T.
Other names: c.121C>A, p.His41Asn (NM_001135242.2, NM_001374844.1, NM_001374845.1 and 1 more transcripts); c.-78C>A (NM_001258432.2, NM_001374847.1); c.-38-2464C>A (NM_001258433.2); short protein forms H41N.
Identifiers: ClinVar variation 1752637 (VCV001752637.2), dbSNP rs2538076832, ClinGen allele CA372256593.